The following is an entry in ClinVar:

ClinVar aggregate classification (germline): Uncertain significance (1 of 4 stars; one submission).

gnomAD v4.1: 2 of 1,563,280 alleles (0.00013%); highest among the groups gnomAD compares: Non-Finnish European, 0.00018%; no homozygotes.

Submission:

Labcorp Genetics (formerly Invitae), Labcorp
Classification: Uncertain significance. Last evaluated: 2022-01-16. Review status: criteria provided, single submitter. Criteria: Invitae Variant Classification Sherloc (09022015). Collection method: clinical testing. Allele origin: germline.
Comment: This sequence change replaces glycine, which is neutral and non-polar, with arginine, which is basic and polar, at codon 289 of the SI protein (p.Gly289Arg). This variant is not present in population databases (gnomAD no frequency). This variant has not been reported in the literature in individuals affected with SI-related conditions. Advanced modeling of protein sequence and biophysical properties (such as structural, functional, and spatial information, amino acid conservation, physicochemical variation, residue mobility, and thermodynamic stability) performed at Invitae indicates that this missense variant is expected to disrupt SI protein function. In summary, the available evidence is currently insufficient to determine the role of this variant in disease. Therefore, it has been classified as a Variant of Uncertain Significance.

NM_001041.4(SI):c.865G>A (p.Gly289Arg)

Gene: SI (sucrase-isomaltase; minus strand). Cytogenetic location: 3q26.1.
Variant type: single nucleotide variant.
Coding change: c.865G>A on transcript NM_001041.4 (MANE Select); coding-DNA position 865, G replaced by A.
Protein change: p.Gly289Arg; replaces glycine 289 with arginine.
Molecular consequence: missense variant.
Genome position (GRCh38, 1-based): chr3:165,063,484, C>T on the plus strand (G>A on the coding strand, the complement: SI is on the minus strand). VCF-style: chr3-165063484-C-T. GRCh37 (hg19) VCF-style: chr3-164781272-C-T.
Other names: short protein forms G289R.
Identifiers: ClinVar variation 1956458 (VCV001956458.4), dbSNP rs2473422032, ClinGen allele CA355031692.